The following is an entry in ClinVar:

NM_004990.4(MARS1):c.2672C>T (p.Pro891Leu)

Gene: MARS1 (methionyl-tRNA synthetase 1; plus strand). Cytogenetic location: 12q13.3.
Variant type: single nucleotide variant.
Coding change: c.2672C>T on transcript NM_004990.4 (MANE Select); coding-DNA position 2672, C replaced by T.
Protein change: p.Pro891Leu; replaces proline 891 with leucine.
Molecular consequence: missense variant.
Genome position (GRCh38, 1-based): chr12:57,516,550, C>T. VCF-style: chr12-57516550-C-T. GRCh37 (hg19) VCF-style: chr12-57910333-C-T.
Other names: c.2672C>T (NM_004990.3); short protein forms P891L.
Identifiers: ClinVar variation 1681807 (VCV001681807.9), dbSNP rs148245567, ClinGen allele CA6650920.

ClinVar aggregate classification (germline): Uncertain significance. Review status: criteria provided, multiple submitters, no conflicts (2 of 4 stars). 2 submissions from 2 submitters: Uncertain significance (2). Last evaluated 2025-07-01.

Conditions:
Charcot-Marie-Tooth disease axonal type 2U. Also called: CHARCOT-MARIE-TOOTH NEUROPATHY, TYPE 2U; CHARCOT-MARIE-TOOTH DISEASE, AXONAL, AUTOSOMAL DOMINANT, TYPE 2U. Identifiers: Orphanet 397735, MedGen C4084821, MONDO:0014566, OMIM 616280.
Severe early-onset pulmonary alveolar proteinosis due to MARS deficiency. Also called: Interstitial lung and liver disease; PULMONARY ALVEOLAR PROTEINOSIS, REUNION ISLAND. Identifiers: Orphanet 440427, MedGen C4225400, MONDO:0014206, OMIM 615486.
MARS1-related disorder. Also called: MARS1-related condition.

Allele frequency attached by ClinVar (database versions not stated): gnomAD exomes 0.00001 and 0.00004; ExAC 0.00003; ESP Exome Variant Server 0.00008; gnomAD 0.00009; TOPMed 0.00013; 1000 Genomes Project 30x 0.00031; 1000 Genomes Project 0.00040.
gnomAD v4.1: 24 of 1,597,158 alleles (0.0015%); highest among the groups gnomAD compares: African/African-American, 0.033%; no homozygotes.

Submissions (2):

PreventionGenetics, part of Exact Sciences
Classification: Uncertain significance for MARS1-related condition. Last evaluated: 2025-07-01. Review status: criteria provided, single submitter. Criteria: ACMG Guidelines, 2015. Collection method: clinical testing. Allele origin: germline.
Comment: The MARS1 c.2672C>T variant is predicted to result in the amino acid substitution p.Pro891Leu. To our knowledge, this variant has not been reported in the literature. This variant is reported in 0.053% of alleles in individuals of African descent in gnomAD. At this time, the clinical significance of this variant is uncertain due to the absence of conclusive functional and genetic evidence.

Labcorp Genetics (formerly Invitae), Labcorp
Classification: Uncertain significance for Charcot-Marie-Tooth disease axonal type 2U; Severe early-onset pulmonary alveolar proteinosis due to MARS deficiency. Last evaluated: 2021-05-31. Review status: criteria provided, single submitter. Criteria: Invitae Variant Classification Sherloc (09022015). Collection method: clinical testing. Allele origin: germline.
Comment: In summary, the available evidence is currently insufficient to determine the role of this variant in disease. Therefore, it has been classified as a Variant of Uncertain Significance. Algorithms developed to predict the effect of missense changes on protein structure and function output the following: SIFT: "Tolerated"; PolyPhen-2: "Not Available"; Align-GVGD: "Class C0". The leucine amino acid residue is found in multiple mammalian species, suggesting that this missense change does not adversely affect protein function. These predictions have not been confirmed by published functional studies and their clinical significance is uncertain. This variant has not been reported in the literature in individuals with MARS-related conditions. This variant is present in population databases (rs148245567, ExAC 0.03%). This sequence change replaces proline with leucine at codon 891 of the MARS protein (p.Pro891Leu). The proline residue is weakly conserved and there is a moderate physicochemical difference between proline and leucine.